The following is an entry in ClinVar:

NM_001349253.2(SCN11A):c.2164C>G (p.Leu722Val)

Gene: SCN11A (sodium voltage-gated channel alpha subunit 11; minus strand). Cytogenetic location: 3p22.2.
Variant type: single nucleotide variant.
Coding change: c.2164C>G on transcript NM_001349253.2 (MANE Select); coding-DNA position 2164, C replaced by G.
Protein change: p.Leu722Val; replaces leucine 722 with valine.
Molecular consequence: missense variant.
Genome position (GRCh38, 1-based): chr3:38,897,084, G>C on the plus strand (C>G on the coding strand, the complement: SCN11A is on the minus strand). VCF-style: chr3-38897084-G-C. GRCh37 (hg19) VCF-style: chr3-38938575-G-C.
Other names: c.2164C>G, p.Leu722Val (NM_014139.3); short protein forms L722V.
Identifiers: ClinVar variation 2947843 (VCV002947843.3), dbSNP rs2470567576, ClinGen allele CA352158854.

ClinVar aggregate classification (germline): Uncertain significance (1 of 4 stars; one submission).

Conditions:
Hereditary sensory and autonomic neuropathy type 7. Also called: HSAN VII; Neuropathy, hereditary sensory and autonomic, type VII. Identifiers: Orphanet 391397, MedGen C3809882, MONDO:0014244, OMIM 615548.
Familial episodic pain syndrome with predominantly lower limb involvement. Also called: Episodic pain syndrome, familial, 3. Identifiers: Orphanet 391384, Orphanet 391392, MedGen C3809899, MONDO:0014247, OMIM 615552.

Submission:

Labcorp Genetics (formerly Invitae), Labcorp
Classification: Uncertain significance for Familial episodic pain syndrome with predominantly lower limb involvement; Hereditary sensory and autonomic neuropathy type 7. Last evaluated: 2023-08-25. Review status: criteria provided, single submitter. Criteria: Invitae Variant Classification Sherloc (09022015). Collection method: clinical testing. Allele origin: germline.
Comment: In summary, the available evidence is currently insufficient to determine the role of this variant in disease. Therefore, it has been classified as a Variant of Uncertain Significance. Advanced modeling of protein sequence and biophysical properties (such as structural, functional, and spatial information, amino acid conservation, physicochemical variation, residue mobility, and thermodynamic stability) performed at Invitae indicates that this missense variant is not expected to disrupt SCN11A protein function. This variant has not been reported in the literature in individuals affected with SCN11A-related conditions. This variant is not present in population databases (gnomAD no frequency). This sequence change replaces leucine, which is neutral and non-polar, with valine, which is neutral and non-polar, at codon 722 of the SCN11A protein (p.Leu722Val).